The following is an entry in ClinVar:

Conditions:
Breast-ovarian cancer, familial, susceptibility to, 1 (BROVCA1). Also called: BRCA1 Hereditary Breast and Ovarian Cancer; OVARIAN CANCER, SUSCEPTIBILITY TO. Identifiers: Orphanet 145, MedGen C2676676, MONDO:0011450, OMIM 604370. Disease mechanism: loss of function.

Submission:

Brotman Baty Institute, University of Washington
No classification provided (evidence only). Condition: Breast-ovarian cancer, familial 1. Review status: no classification provided. Collection method: in vitro. Allele origin: not applicable. Functional consequence: functionally_normal.
ClinVar note: "not provided" was previously submitted as the classification for the variant. However, the classification appeared to be based only on an observation of functional data so it was converted to no classification on 2025-07-30.

NM_007294.4(BRCA1):c.5345G>C (p.Trp1782Ser)

Gene: BRCA1 (BRCA1 DNA repair associated; minus strand). Cytogenetic location: 17q21.31.
Variant type: single nucleotide variant.
Coding change: c.5345G>C on transcript NM_007294.4 (MANE Select); coding-DNA position 5345, G replaced by C.
Protein change: p.Trp1782Ser; replaces tryptophan 1782 with serine.
Molecular consequence: missense variant. On other transcripts: non-coding transcript variant (1), intron variant (1).
Genome position (GRCh38, 1-based): chr17:43,049,182, C>G on the plus strand (G>C on the coding strand, the complement: BRCA1 is on the minus strand). VCF-style: chr17-43049182-C-G. GRCh37 (hg19) VCF-style: chr17-41201199-C-G.
Other names: c.5132G>C, p.Trp1711Ser (NM_001407571.1, NM_001407906.1, NM_001407907.1 and 12 more transcripts); c.5411G>C, p.Trp1804Ser (NM_001407581.1, NM_001407582.1); c.5408G>C, p.Trp1803Ser (NM_001407583.1, NM_001407585.1, NM_001407587.1 and 1 more transcripts); c.5405G>C, p.Trp1802Ser (NM_001407590.1, NM_001407591.1); c.5345G>C, p.Trp1782Ser (NM_001407593.1, NM_001407594.1, NM_001407596.1 and 5 more transcripts); c.5342G>C, p.Trp1781Ser (NM_001407610.1, NM_001407611.1, NM_001407612.1 and 14 more transcripts); c.5339G>C, p.Trp1780Ser (NM_001407627.1, NM_001407628.1, NM_001407629.1 and 13 more transcripts); c.5333G>C, p.Trp1778Ser (NM_001407646.1); and 73 more; short protein forms W678S, W1735S, W1782S, W1803S, W1628S, W1671S, W1694S, W1734S.
Identifiers: ClinVar variation 865366 (VCV000865366.3), dbSNP rs80357219, ClinGen allele CA10590773.